The following is an entry in ClinVar:

ClinVar aggregate classification (germline): Uncertain significance (1 of 4 stars; one submission).

Submission:

GeneDx
Classification: Uncertain significance. Last evaluated: 2025-04-17. Review status: criteria provided, single submitter. Criteria: GeneDx Variant Classification Process June 2021. Collection method: clinical testing. Allele origin: germline. Affected: yes.
Comment: Not observed at significant frequency in large population cohorts (gnomAD); In silico analysis indicates that this missense variant does not alter protein structure/function; Has not been previously published as pathogenic or benign to our knowledge

NM_000552.5(VWF):c.4733C>T (p.Thr1578Ile)

Gene: VWF (von Willebrand factor; minus strand). Cytogenetic location: 12p13.31.
Variant type: single nucleotide variant.
Coding change: c.4733C>T on transcript NM_000552.5 (MANE Select); coding-DNA position 4733, C replaced by T.
Protein change: p.Thr1578Ile; replaces threonine 1578 with isoleucine.
Molecular consequence: missense variant.
Genome position (GRCh38, 1-based): chr12:6,018,685, G>A on the plus strand (C>T on the coding strand, the complement: VWF is on the minus strand). VCF-style: chr12-6018685-G-A. GRCh37 (hg19) VCF-style: chr12-6127851-G-A.
Other names: short protein forms T1578I.
Identifiers: ClinVar variation 4527167 (VCV004527167.1).